The following is an entry in ClinVar:

NM_001375808.2(LPIN2):c.560C>T (p.Ser187Phe)

Gene: LPIN2 (lipin 2; minus strand). Cytogenetic location: 18p11.31.
Variant type: single nucleotide variant.
Coding change: c.560C>T on transcript NM_001375808.2 (MANE Select); coding-DNA position 560, C replaced by T.
Protein change: p.Ser187Phe; replaces serine 187 with phenylalanine.
Molecular consequence: missense variant.
Genome position (GRCh38, 1-based): chr18:2,951,085, G>A on the plus strand (C>T on the coding strand, the complement: LPIN2 is on the minus strand). VCF-style: chr18-2951085-G-A. GRCh37 (hg19) VCF-style: chr18-2951083-G-A.
Other names: c.560C>T, p.Ser187Phe (NM_001375809.1, NM_014646.2); short protein forms S187F.
Identifiers: ClinVar variation 234328 (VCV000234328.3), dbSNP rs876660983, ClinGen allele CA10577585.

ClinVar aggregate classification (germline): Uncertain significance. Review status: criteria provided, multiple submitters, no conflicts (2 of 4 stars). 2 submissions from 2 submitters: Uncertain significance (2). Last evaluated 2021-05-12.

Allele frequency attached by ClinVar (database versions not stated): gnomAD exomes below 0.00001.
gnomAD v4.1: 1 of 1,614,178 alleles (0.000062%); highest among the groups gnomAD compares: Non-Finnish European, 0.000085%; no homozygotes.

Submissions (2):

Blueprint Genetics
Classification: Uncertain significance. Last evaluated: 2021-05-12. Review status: criteria provided, single submitter. Criteria: ACMG Guidelines, 2015. Collection method: clinical testing. Allele origin: germline.

GeneDx
Classification: Uncertain significance. Last evaluated: 2013-08-22. Review status: criteria provided, single submitter. Criteria: GeneDx Variant Classification (06012015). Collection method: clinical testing. Allele origin: germline. Affected: yes.
Comment: To our knowledge, the S187F missense substitution in the LPIN2 gene has neither been published as a mutation, nor reported as a benign polymorphism. It was not observed in approximately 6,500 individuals of European and African American ancestry in the NHLBI Exome Sequencing Project, indicating it is not a common benign variant in these populations. S187F represents a non-conservative amino acid substitution, as a small, polar Serine residue is replaced with a large, non-polar Phenylalanine residue. This substitution occurs at a position in the LPIN2 gene that is highly conserved among species; however, to our knowledge, no missense mutations associated with disease have been reported in this region of the LPIN2 protein. Therefore, based on the currently available information, it is unclear whether S187F is a disease-causing mutation or a rare benign variant.